The following is an entry in ClinVar:

ClinVar aggregate classification (germline): Uncertain significance (1 of 4 stars; one submission).

Submission:

Labcorp Genetics (formerly Invitae), Labcorp
Classification: Uncertain significance. Last evaluated: 2023-12-08. Review status: criteria provided, single submitter. Criteria: Invitae Variant Classification Sherloc (09022015). Collection method: clinical testing. Allele origin: germline.
Comment: This sequence change replaces glycine, which is neutral and non-polar, with valine, which is neutral and non-polar, at codon 746 of the PACS2 protein (p.Gly746Val). This variant is not present in population databases (gnomAD no frequency). This variant has not been reported in the literature in individuals affected with PACS2-related conditions. Advanced modeling of protein sequence and biophysical properties (such as structural, functional, and spatial information, amino acid conservation, physicochemical variation, residue mobility, and thermodynamic stability) performed at Invitae indicates that this missense variant is not expected to disrupt PACS2 protein function with a negative predictive value of 80%. Algorithms developed to predict the effect of sequence changes on RNA splicing suggest that this variant may disrupt the consensus splice site. In summary, the available evidence is currently insufficient to determine the role of this variant in disease. Therefore, it has been classified as a Variant of Uncertain Significance.

NM_001100913.3(PACS2):c.2237G>T (p.Gly746Val)

Gene: PACS2 (phosphofurin acidic cluster sorting protein 2; plus strand). Cytogenetic location: 14q32.33.
Variant type: single nucleotide variant.
Coding change: c.2237G>T on transcript NM_001100913.3 (MANE Select); coding-DNA position 2237, G replaced by T.
Protein change: p.Gly746Val; replaces glycine 746 with valine.
Molecular consequence: missense variant.
Genome position (GRCh38, 1-based): chr14:105,391,748, G>T. VCF-style: chr14-105391748-G-T. GRCh37 (hg19) VCF-style: chr14-105858085-G-T.
Other names: c.1967G>T, p.Gly656Val (NM_001243127.3); c.2192G>T, p.Gly731Val (NM_015197.4); short protein forms G746V, G656V, G731V.
Identifiers: ClinVar variation 2832533 (VCV002832533.3), dbSNP rs1555414972, ClinGen allele CA391186051.